The following is an entry in ClinVar:

NM_152383.5(DIS3L2):c.2005A>G (p.Met669Val)

Gene: DIS3L2 (DIS3 like 3'-5' exoribonuclease 2; plus strand). Cytogenetic location: 2q37.1.
Variant type: single nucleotide variant.
Coding change: c.2005A>G on transcript NM_152383.5 (MANE Select); coding-DNA position 2005, A replaced by G.
Protein change: p.Met669Val; replaces methionine 669 with valine.
Molecular consequence: missense variant. On other transcripts: non-coding transcript variant (2), intron variant (1).
Genome position (GRCh38, 1-based): chr2:232,330,771, A>G. VCF-style: chr2-232330771-A-G. GRCh37 (hg19) VCF-style: chr2-233195481-A-G.
Other names: c.1582-12574A>G (NM_001257281.2); short protein forms M669V.
Identifiers: ClinVar variation 531913 (VCV000531913.8), dbSNP rs1553550940, ClinGen allele CA350976767.
Genomic context (GRCh38, chr2:232,330,771, plus strand): 5'-GGAGATGACAAGTACTCACTGGCCCGCAAGGAGGTGCTCACCAACATGTGCTCCCGGCCC[A>G]TGCAGGTAAGGAGGGCCCAGCCCCGGCCTCCCCTGCTCCCAGGAGCACACTAGCCCCAGA-3'
Protein context (NP_689596.4, residues 659-679): EVLTNMCSRP[Met669Val]QMALYFCSGL

ClinVar aggregate classification (germline): Uncertain significance (1 of 4 stars; one submission).

Conditions:
Perlman syndrome (PRLMNS). Identifiers: Orphanet 2849, MedGen C0796113, MONDO:0009965, OMIM 267000.

Submission:

Labcorp Genetics (formerly Invitae), Labcorp
Classification: Uncertain significance for Perlman syndrome. Last evaluated: 2017-08-08. Review status: criteria provided, single submitter. Criteria: Invitae Variant Classification Sherloc (09022015). Collection method: clinical testing. Allele origin: germline.
Comment: In summary, the available evidence is currently insufficient to determine the role of this variant in disease. Therefore, it has been classified as a Variant of Uncertain Significance. Algorithms developed to predict the effect of missense changes on protein structure and function do not agree on the potential impact of this missense change (SIFT: "Deleterious"; PolyPhen-2: "Possibly Damaging"; Align-GVGD: "Class C15"). This variant has not been reported in the literature in individuals with DIS3L2-related disease. This variant is not present in population databases (ExAC no frequency). This sequence change replaces methionine with valine at codon 669 of the DIS3L2 protein (p.Met669Val). The methionine residue is highly conserved and there is a small physicochemical difference between methionine and valine.